The following is an entry in ClinVar:

ClinVar aggregate classification (germline): Benign/Likely benign. Review status: criteria provided, multiple submitters, no conflicts (2 of 4 stars). 2 submissions from 2 submitters: Benign (1); Likely benign (1). Last evaluated 2026-08-07.

Conditions:
Tuberous sclerosis 2 (TSC2). Identifiers: Orphanet 805, MedGen C1860707, MONDO:0013199, OMIM 613254.
Hereditary cancer-predisposing syndrome. Also called: Neoplastic Syndromes, Hereditary; Tumor predisposition; Hereditary Cancer Syndrome; Hereditary neoplastic syndrome. Identifiers: Orphanet 140162, MedGen C0027672, MeSH D009386, MONDO:0015356.

Submissions (2):

Ambry Genetics
Classification: Likely benign for Hereditary cancer-predisposing syndrome. Last evaluated: 2026-08-07. Review status: criteria provided, single submitter. Criteria: Ambry Variant Classification Scheme 2023. Collection method: clinical testing. Allele origin: germline.

Myriad Genetics, Inc.
Classification: Benign for Tuberous sclerosis 2. Last evaluated: 2025-06-04. Review status: criteria provided, single submitter. Criteria: Myriad Autosomal Dominant, Autosomal Recessive and X-Linked Classification Criteria (2023). Collection method: clinical testing. Allele origin: unknown.
Comment: This variant is considered benign. This variant is a silent/synonymous amino acid change and it is not expected to impact splicing.

NM_000548.5(TSC2):c.4740G>A (p.Arg1580=)

Gene: TSC2 (TSC complex subunit 2; plus strand). Cytogenetic location: 16p13.3.
Variant type: single nucleotide variant.
Coding change: c.4740G>A on transcript NM_000548.5 (MANE Select); coding-DNA position 4740, G replaced by A.
Protein change: p.Arg1580=; no amino-acid change (arginine 1580 retained).
Molecular consequence: synonymous variant. On other transcripts: non-coding transcript variant (5).
Genome position (GRCh38, 1-based): chr16:2,086,270, G>A. VCF-style: chr16-2086270-G-A. GRCh37 (hg19) VCF-style: chr16-2136271-G-A.
Other names: c.4539G>A, p.Arg1513= (NM_001077183.3); c.4671G>A, p.Arg1557= (NM_001114382.3); c.4431G>A, p.Arg1477= (NM_001318827.2); c.4395G>A, p.Arg1465= (NM_001318829.2); c.4008G>A, p.Arg1336= (NM_001318831.2); c.4572G>A, p.Arg1524= (NM_001318832.2); c.4542G>A, p.Arg1514= (NM_001363528.2); c.4608G>A, p.Arg1536= (NM_001370404.1); and 26 more.
Identifiers: ClinVar variation 4071248 (VCV004071248.2).
Genomic context (GRCh38, chr16:2,086,270, plus strand): 5'-CATCCTGTCCAATGAGCATGGCTCCTACAGGTACACGGAGTTCCTGACGGGCCTGGGCCG[G>A]CTCATCGAGCTGAAGGACTGCCAGCCGGACAAGGTGTACCTGGGAGGCCTGGACGTGTGT-3'
Protein context (NP_000539.2, residues 1570-1590): RYTEFLTGLG[Arg1580=]LIELKDCQPD